The following is an entry in ClinVar:

NM_001256627.2(BRSK2):c.155G>C (p.Arg52Pro)

Gene: BRSK2 (BR serine/threonine kinase 2; plus strand). Cytogenetic location: 11p15.5.
Variant type: single nucleotide variant.
Coding change: c.155G>C on transcript NM_001256627.2 (MANE Select); coding-DNA position 155, G replaced by C.
Protein change: p.Arg52Pro; replaces arginine 52 with proline.
Molecular consequence: missense variant. On other transcripts: 5 prime UTR variant (1), non-coding transcript variant (1).
Genome position (GRCh38, 1-based): chr11:1,436,103, G>C. VCF-style: chr11-1436103-G-C. GRCh37 (hg19) VCF-style: chr11-1457333-G-C.
Other names: c.155G>C, p.Arg52Pro (NM_001256629.2, NM_003957.4); c.293G>C, p.Arg98Pro (NM_001256630.1); c.-26G>C (NM_001282218.2); short protein forms R52P, R98P.
Identifiers: ClinVar variation 1307828 (VCV001307828.2), dbSNP rs2133007232, ClinGen allele CA379055588.
Genomic context (GRCh38, chr11:1,436,103, plus strand): 5'-TGGTGAAGCTGGGGGTTCACTGCGTCACCTGCCAGAAGGTGGCCATCAAGATCGTCAACC[G>C]TGAGAAGCTCAGCGAGTCGGTGCTGATGAAGGTGGGTGGGGCCGGGGAGGGAGGCGGGGC-3'
Protein context (NP_001243556.1, residues 42-62): CQKVAIKIVN[Arg52Pro]EKLSESVLMK

ClinVar aggregate classification (germline): Uncertain significance (1 of 4 stars; one submission).

Submission:

GeneDx
Classification: Uncertain significance. Last evaluated: 2019-08-19. Review status: criteria provided, single submitter. Criteria: GeneDx Variant Classification Process June 2021. Collection method: clinical testing. Allele origin: germline. Affected: yes.
Comment: Has not been previously published as pathogenic or benign to our knowledge; Not observed in large population cohorts (Lek et al., 2016); In silico analysis, which includes protein predictors and evolutionary conservation, supports a deleterious effect